The following is an entry in ClinVar:

ClinVar aggregate classification (germline): Benign (1 of 4 stars; one submission).

Allele frequency attached by ClinVar (database versions not stated): gnomAD 0.11759 and 0.12595; TOPMed 0.13255; 1000 Genomes Project 30x 0.20019; 1000 Genomes Project 0.20387.
gnomAD v4.1: 19,125 of 151,920 alleles (13%); highest among the groups gnomAD compares: East Asian, 36%; 1,688 homozygotes.

Submission:

GeneDx
Classification: Benign. Last evaluated: 2018-06-19. Review status: criteria provided, single submitter. Criteria: GeneDx Variant Classification (06012015). Collection method: clinical testing. Allele origin: germline. Affected: yes.
Comment: This variant is considered likely benign or benign based on one or more of the following criteria: it is a conservative change, it occurs at a poorly conserved position in the protein, it is predicted to be benign by multiple in silico algorithms, and/or has population frequency not consistent with disease.

NM_006420.3(ARFGEF2):c.1666-221C>A

Gene: ARFGEF2 (ARF guanine nucleotide exchange factor 2; plus strand). Cytogenetic location: 20q13.13.
Variant type: single nucleotide variant.
Coding change: c.1666-221C>A on transcript NM_006420.3 (MANE Select); 221 bases into the intron before coding-DNA position 1666, C replaced by A.
Molecular consequence: intron variant.
Genome position (GRCh38, 1-based): chr20:48,974,545, C>A. VCF-style: chr20-48974545-C-A. GRCh37 (hg19) VCF-style: chr20-47591082-C-A.
Identifiers: ClinVar variation 679355 (VCV000679355.1), dbSNP rs6019566, ClinGen allele CA315914628.